The following is an entry in ClinVar:

ClinVar aggregate classification (germline): Conflicting classifications of pathogenicity. Review status: criteria provided, conflicting classifications (1 of 4 stars). 6 submissions from 2 submitters: Uncertain significance (4); Benign (2). Last evaluated 2018-01-12.

Conditions:
Early-onset myopathy with fatal cardiomyopathy (CMYO5). Also called: CONGENITAL MYOPATHY 5 WITH CARDIOMYOPATHY; Salih Myopathy. Identifiers: Orphanet 289377, MedGen C2673677, MONDO:0012714, OMIM 611705. Disease mechanism: loss of function.
Autosomal recessive limb-girdle muscular dystrophy type 2J (LGMDR10). Also called: MUSCULAR DYSTROPHY, LIMB-GIRDLE, AUTOSOMAL RECESSIVE 10; Limb-girdle muscular dystrophy, type 2J. Identifiers: Orphanet 140922, MedGen C1837342, MONDO:0012127, OMIM 608807.
Dilated cardiomyopathy 1G (CMD1G). Identifiers: Orphanet 154, MedGen C1858763, MONDO:0011400, OMIM 604145.
Tibial muscular dystrophy (TMD). Also called: Udd Distal Myopathy – Tibial Muscular Dystrophy; UDD MYOPATHY; Tibial muscular dystrophy, tardive. Identifiers: Orphanet 609, MedGen C1838244, MONDO:0010870, OMIM 600334.
Myopathy, myofibrillar, 9, with early respiratory failure (MFM9). Also called: EDSTROM MYOPATHY; MYOPATHY, PROXIMAL, WITH EARLY RESPIRATORY MUSCLE INVOLVEMENT; Hereditary myopathy with early respiratory failure; Myopathy, distal, with early respiratory failure, autosomal dominant. Identifiers: Orphanet 178464, Orphanet 34521, MedGen C1863599, MONDO:0011362, OMIM 603689.

Allele frequency attached by ClinVar (database versions not stated): gnomAD 0.00001; gnomAD exomes 0.00002 and 0.00004; ExAC 0.00003; TOPMed 0.00003.
gnomAD v4.1: 29 of 1,612,528 alleles (0.0018%); highest among the groups gnomAD compares: East Asian, 0.016%; no homozygotes.

Submissions (6):

Illumina Laboratory Services, Illumina
Classification: Uncertain significance for Dilated cardiomyopathy 1G. Last evaluated: 2018-01-12. Review status: criteria provided, single submitter. Criteria: ICSL Variant Classification Criteria 13 December 2019. Collection method: clinical testing. Allele origin: germline.

Illumina Laboratory Services, Illumina
Classification: Benign for Tibial muscular dystrophy. Last evaluated: 2018-01-12. Review status: criteria provided, single submitter. Criteria: ICSL Variant Classification Criteria 13 December 2019. Collection method: clinical testing. Allele origin: germline.
Comment: This variant was observed in the ICSL laboratory as part of a predisposition screen in an ostensibly healthy population. It had not been previously curated by ICSL or reported in the Human Gene Mutation Database (HGMD: prior to June 1st, 2018), and was therefore a candidate for classification through an automated scoring system. Utilizing variant allele frequency, disease prevalence and penetrance estimates, and inheritance mode, an automated score was calculated to assess if this variant is too frequent to cause the disease. Based on the score and internal cut-off values, a variant classified as benign is not then subjected to further curation. The score for this variant resulted in a classification of benign for this disease.

Illumina Laboratory Services, Illumina
Classification: Uncertain significance for Early-onset myopathy with fatal cardiomyopathy. Last evaluated: 2018-01-12. Review status: criteria provided, single submitter. Criteria: ICSL Variant Classification Criteria 13 December 2019. Collection method: clinical testing. Allele origin: germline.

Illumina Laboratory Services, Illumina
Classification: Uncertain significance for Autosomal recessive limb-girdle muscular dystrophy type 2J. Last evaluated: 2018-01-12. Review status: criteria provided, single submitter. Criteria: ICSL Variant Classification Criteria 13 December 2019. Collection method: clinical testing. Allele origin: germline.

Illumina Laboratory Services, Illumina
Classification: Benign for Myopathy, myofibrillar, 9, with early respiratory failure. Last evaluated: 2018-01-12. Review status: criteria provided, single submitter. Criteria: ICSL Variant Classification Criteria 13 December 2019. Collection method: clinical testing. Allele origin: germline.
Comment: the same text as in the submission from Illumina Laboratory Services, Illumina above.

Laboratory for Molecular Medicine, Mass General Brigham Personalized Medicine
Classification: Uncertain significance. Last evaluated: 2016-03-18. Review status: criteria provided, single submitter. Criteria: LMM Criteria. Collection method: clinical testing. Allele origin: germline. Observed: 1 variant allele.
Comment: The p.Arg13808Cys variant in TTN has not been previously reported in individuals with cardiomyopathy, but has been identified in 3/8330 East Asian chromosomes b y the Exome Aggregation Consortium (ExAC; dbSNP rs772152172). Computational prediction tools and conservation analysis suggest t hat the p.Arg13808Cys variant may impact the protein, though this information is not predictive enough to determine pathogenicity. In summary, the clinical sign ificance of the p.Arg13808Cys variant is uncertain.

NM_001267550.2(TTN):c.49126C>T (p.Arg16376Cys)

Genes: TTN (titin; minus strand), TTN-AS1 (TTN antisense RNA 1; plus strand), LOC126806426 (BRD4-independent group 4 enhancer GRCh37_chr2:179478848-179480047; plus strand). Cytogenetic location: 2q31.2.
Variant type: single nucleotide variant.
Coding change: c.49126C>T on transcript NM_001267550.2 (MANE Select); coding-DNA position 49126, C replaced by T.
Protein change: p.Arg16376Cys; replaces arginine 16376 with cysteine.
Molecular consequence: missense variant. On other transcripts: non-coding transcript variant (1).
Genome position (GRCh38, 1-based): chr2:178,614,271, G>A on the plus strand (C>T on the coding strand, the complement: TTN is on the minus strand). VCF-style: chr2-178614271-G-A. GRCh37 (hg19) VCF-style: chr2-179478998-G-A.
Other names: c.44203C>T, p.Arg14735Cys (NM_001256850.1); c.21931C>T, p.Arg7311Cys (NM_003319.4); c.22306C>T, p.Arg7436Cys (NM_133432.3); c.22507C>T, p.Arg7503Cys (NM_133437.4); c.41422C>T, p.Arg13808Cys (NM_133378.4); short protein forms R13808C, R16376C, R14735C, R7436C, R7503C, R7311C.
Identifiers: ClinVar variation 229446 (VCV000229446.9), dbSNP rs772152172, ClinGen allele CA1994670.